The following is an entry in ClinVar:

ClinVar aggregate classification (germline): Pathogenic. Review status: criteria provided, multiple submitters, no conflicts (2 of 4 stars). 2 submissions from 2 submitters: Pathogenic (2). Last evaluated 2025-07-18.

Conditions:
Hereditary cancer-predisposing syndrome. Also called: Neoplastic Syndromes, Hereditary; Tumor predisposition; Hereditary Cancer Syndrome; Hereditary neoplastic syndrome. Identifiers: Orphanet 140162, MedGen C0027672, MeSH D009386, MONDO:0015356.
Cardiovascular phenotype. Identifiers: MedGen CN230736.

Submissions (2):

Ambry Genetics
Classification: Pathogenic for Cardiovascular phenotype; Hereditary cancer-predisposing syndrome. Last evaluated: 2025-07-18. Review status: criteria provided, single submitter. Criteria: Ambry Variant Classification Scheme 2023. Collection method: clinical testing. Allele origin: germline.
Comment: The c.1805delT pathogenic mutation, located in coding exon 16 of the LZTR1 gene, results from a deletion of one nucleotide at nucleotide position 1805, causing a translational frameshift with a predicted alternate stop codon (p.V602Gfs*2). Loss-of-function variants in LZTR1 are related to an increased risk for schwannomas and autosomal recessive Noonan syndrome; however, such associations with autosomal dominant Noonan syndrome have not been observed (Piotrowski A et al. Nat Genet. 2014 Feb;46:182-7; Yamamoto GL et al. J Med Genet. 2015 Jun;52:413-21; Johnston JJ et al. Genet Med. 2018 10;20:1175-1185). Based on the supporting evidence, this variant is pathogenic for an increased risk of LZTR1-related schwannomatosis (SWN) and would be expected to cause autosomal recessive Noonan syndrome when present along with a second pathogenic or likely pathogenic variant on the other allele; however, the association of this alteration with autosomal dominant Noonan syndrome is unlikely.

Labcorp Genetics (formerly Invitae), Labcorp
Classification: Pathogenic. Last evaluated: 2022-08-20. Review status: criteria provided, single submitter. Criteria: Invitae Variant Classification Sherloc (09022015). Collection method: clinical testing. Allele origin: germline.
Comment: This sequence change creates a premature translational stop signal (p.Val602Glyfs*2) in the LZTR1 gene. It is expected to result in an absent or disrupted protein product. Loss-of-function variants in LZTR1 are known to be pathogenic (PMID: 24362817, 25335493, 25480913, 25795793, 29469822, 30368668, 30442762, 30442766, 30481304, 30859559). This variant is not present in population databases (gnomAD no frequency). For these reasons, this variant has been classified as Pathogenic. This variant has not been reported in the literature in individuals affected with LZTR1-related conditions.

Literature cited by the submitters: PubMed 24362817 (cited by Labcorp Genetics (formerly Invitae), Labcorp); PubMed 25335493 (cited by Labcorp Genetics (formerly Invitae), Labcorp); PubMed 25480913 (cited by Labcorp Genetics (formerly Invitae), Labcorp); PubMed 25795793 (cited by Labcorp Genetics (formerly Invitae), Labcorp); PubMed 29469822 (cited by Labcorp Genetics (formerly Invitae), Labcorp); PubMed 30368668 (cited by Labcorp Genetics (formerly Invitae), Labcorp); PubMed 30442762 (cited by Labcorp Genetics (formerly Invitae), Labcorp); PubMed 30442766 (cited by Labcorp Genetics (formerly Invitae), Labcorp); PubMed 30481304 (cited by Labcorp Genetics (formerly Invitae), Labcorp); PubMed 30859559 (cited by Labcorp Genetics (formerly Invitae), Labcorp).

NM_006767.4(LZTR1):c.1805del (p.Val602fs)

Gene: LZTR1 (leucine zipper like post translational regulator 1; plus strand). Cytogenetic location: 22q11.21.
Variant type: Deletion.
Coding change: c.1805del on transcript NM_006767.4 (MANE Select); coding-DNA position 1805, one base deleted (T; older notation c.1805delT).
Protein change: p.Val602fs; shifts the reading frame from valine 602.
Molecular consequence: frameshift variant.
Genome position (GRCh38, 1-based): chr22:20,994,889, T deleted. VCF-style (leftmost placement, unchanged base first): chr22-20994888-GT-G. GRCh37 (hg19) VCF-style: chr22-21349177-GT-G.
Other names: c.1805delT (NM_006767.3); short protein forms V602fs.
Identifiers: ClinVar variation 2022978 (VCV002022978.5), dbSNP rs2518622334, ClinGen allele CA2580099231.
Genomic context (GRCh38, chr22:20,994,888, plus strand): 5'-CTGGCTTGACTCTGCCTGCCTGCCTGTGCCTGTCTGCCCCAGGAGCACTGCCTGAACTTC[GT>G]GGTAAAGGAGTCCCACTTCAACCAGGTGATCATGATGAAGGAGTTCGAGCGCCTCTCCTC-3'